The following is an entry in ClinVar:

ClinVar aggregate classification (germline): Uncertain significance (1 of 4 stars; one submission).

Conditions:
Hereditary cancer-predisposing syndrome. Also called: Neoplastic Syndromes, Hereditary; Tumor predisposition; Hereditary Cancer Syndrome; Hereditary neoplastic syndrome. Identifiers: Orphanet 140162, MedGen C0027672, MeSH D009386, MONDO:0015356.

Submission:

Color Diagnostics, LLC DBA Color Health
Classification: Uncertain significance for Hereditary cancer-predisposing syndrome. Last evaluated: 2023-12-04. Review status: criteria provided, single submitter. Criteria: ACMG Guidelines, 2015. Collection method: clinical testing. Allele origin: germline.
Comment: This missense variant replaces aspartic acid with glutamic acid at codon 1084 of the MSH6 protein. Computational prediction suggests that this variant may not impact protein structure and function (internally defined REVEL score threshold <= 0.5, PMID: 27666373). To our knowledge, functional studies have not been reported for this variant. This variant has not been reported in individuals affected with MSH6-related disorders in the literature. This variant has not been identified in the general population by the Genome Aggregation Database (gnomAD). The available evidence is insufficient to determine the role of this variant in disease conclusively. Therefore, this variant is classified as a Variant of Uncertain Significance.

NM_000179.3(MSH6):c.3252T>A (p.Asp1084Glu)

Gene: MSH6 (mutS homolog 6; plus strand). Cytogenetic location: 2p16.3.
Variant type: single nucleotide variant.
Coding change: c.3252T>A on transcript NM_000179.3 (MANE Select); coding-DNA position 3252, T replaced by A.
Protein change: p.Asp1084Glu; replaces aspartic acid 1084 with glutamic acid.
Molecular consequence: missense variant.
Genome position (GRCh38, 1-based): chr2:47,803,499, T>A. VCF-style: chr2-47803499-T-A. GRCh37 (hg19) VCF-style: chr2-48030638-T-A.
Other names: c.2346T>A, p.Asp782Glu (NM_001281494.2, NM_001281493.2); c.2862T>A, p.Asp954Glu (NM_001281492.2); short protein forms D954E, D1084E, D782E.
Identifiers: ClinVar variation 918506 (VCV000918506.4), dbSNP rs1669742346, ClinGen allele CA346758125.